The following is an entry in ClinVar:

NM_001082486.2(ACD):c.742+4A>G

Gene: ACD (ACD shelterin complex subunit and telomerase recruitment factor; minus strand). Cytogenetic location: 16q22.1.
Variant type: single nucleotide variant.
Coding change: c.742+4A>G on transcript NM_001082486.2 (MANE Select); 4 bases into the intron after coding-DNA position 742, A replaced by G.
Molecular consequence: intron variant.
Genome position (GRCh38, 1-based): chr16:67,658,716, T>C on the plus strand (A>G on the coding strand, the complement: ACD is on the minus strand). VCF-style: chr16-67658716-T-C. GRCh37 (hg19) VCF-style: chr16-67692619-T-C.
Other names: c.733+4A>G (NM_022914.3).
Identifiers: ClinVar variation 1015783 (VCV001015783.8), dbSNP rs1380521995, ClinGen allele CA623120847.

ClinVar aggregate classification (germline): Uncertain significance (1 of 4 stars; one submission).

Conditions:
Dyskeratosis congenita, autosomal dominant 6 (DKCA6). Identifiers: Orphanet 3322, MedGen C4225284, MONDO:0014690, OMIM 616553.

Allele frequency attached by ClinVar (database versions not stated): gnomAD exomes 0.00001; TOPMed 0.00001.

Submission:

Labcorp Genetics (formerly Invitae), Labcorp
Classification: Uncertain significance for Dyskeratosis congenita, autosomal dominant 6. Last evaluated: 2025-12-21. Review status: criteria provided, single submitter. Criteria: Invitae Variant Classification Sherloc (09022015). Collection method: clinical testing. Allele origin: germline.
Comment: This sequence change falls in intron 8 of the ACD gene. It does not directly change the encoded amino acid sequence of the ACD protein. It affects a nucleotide within the consensus splice site. This variant is present in population databases (no rsID available, gnomAD 0.0009%). This variant has not been reported in the literature in individuals affected with ACD-related conditions. ClinVar contains an entry for this variant (Variation ID: 1015783). Variants that disrupt the consensus splice site are a relatively common cause of aberrant splicing (PMID: 17576681, 9536098). Algorithms developed to predict the effect of sequence changes on RNA splicing suggest that this variant may disrupt the consensus splice site. In summary, the available evidence is currently insufficient to determine the role of this variant in disease. Therefore, it has been classified as a Variant of Uncertain Significance.

Literature cited by the submitters: PubMed 17576681; PubMed 9536098.